The following is an entry in ClinVar:

ClinVar aggregate classification (germline): Uncertain significance (1 of 4 stars; one submission).

Conditions:
Megaconial type congenital muscular dystrophy (MDCMC). Also called: CHKB-Related Muscle Diseases; MUSCULAR DYSTROPHY, CONGENITAL, WITH MITOCHONDRIAL STRUCTURAL ABNORMALITIES; CHKB-Related Muscular Dystrophy. Identifiers: Orphanet 280671, MedGen C1865233, MONDO:0011246, OMIM 602541.

Submission:

Labcorp Genetics (formerly Invitae), Labcorp
Classification: Uncertain significance for Megaconial type congenital muscular dystrophy. Last evaluated: 2022-06-28. Review status: criteria provided, single submitter. Criteria: Invitae Variant Classification Sherloc (09022015). Collection method: clinical testing. Allele origin: germline.
Comment: In summary, the available evidence is currently insufficient to determine the role of this variant in disease. Therefore, it has been classified as a Variant of Uncertain Significance. Variants that disrupt the consensus splice site are a relatively common cause of aberrant splicing (PMID: 17576681, 9536098). Algorithms developed to predict the effect of sequence changes on RNA splicing suggest that this variant may disrupt the consensus splice site. This variant has not been reported in the literature in individuals affected with CHKB-related conditions. This variant is not present in population databases (gnomAD no frequency). This sequence change falls in intron 6 of the CHKB gene. It does not directly change the encoded amino acid sequence of the CHKB protein. It affects a nucleotide within the consensus splice site.

Literature cited by the submitters: PubMed 17576681; PubMed 9536098.

NM_005198.5(CHKB):c.736+5_736+7del

Genes: CHKB (choline kinase beta; minus strand), CHKB-CPT1B (CHKB-CPT1B readthrough (NMD candidate); minus strand). Cytogenetic location: 22q13.33.
Variant type: Deletion.
Coding change: c.736+5_736+7del on transcript NM_005198.5 (MANE Select); bases 5 to 7 of the intron after coding-DNA position 736, 3 bases deleted (GAG; older notation c.736+5_736+7delGAG).
Molecular consequence: intron variant.
Genome position (GRCh38, 1-based): chr22:50,580,351-50,580,353, CTC deleted on the plus strand (GAG on the coding strand, the reverse complement: CHKB is on the minus strand); deleting any 3 consecutive bases within chr22:50,580,351-50,580,355 gives the same sequence; the c. name uses the placement nearest the transcript's 3' end. VCF-style (leftmost placement, unchanged base first): chr22-50580350-TCTC-T. GRCh37 (hg19) VCF-style: chr22-51018779-TCTC-T.
Identifiers: ClinVar variation 2011863 (VCV002011863.4), dbSNP rs2522777859, ClinGen allele CA2580099973.
Genomic context (GRCh38, chr22:50,580,350, plus strand): 5'-GTTCTGCTCACTCCAGAGCCCTCTGGCTCTTCCATCTTGGGTTAGGAGACTCAGATGCCT[TCTC>T]CTACCTTCCTGGATGTCATTGTGGCAGAAGACGACTGGCGATGGGGTAGACTCTAGTAAC-3'